The following is an entry in ClinVar:

ClinVar aggregate classification (germline): Benign (1 of 4 stars; one submission).

Allele frequency attached by ClinVar (database versions not stated): 1000 Genomes Project 0.12715; 1000 Genomes Project 30x 0.13236; TOPMed 0.17025; gnomAD 0.16357 and 0.17056.
gnomAD v4.1: 17,760 of 109,246 alleles (16%); highest among the groups gnomAD compares: African/African-American, 30%; 1,408 homozygotes.

Submissions (4):

GeneDx
Classification: Benign. Last evaluated: 2018-06-14. Review status: criteria provided, single submitter. Criteria: GeneDx Variant Classification (06012015). Collection method: clinical testing. Allele origin: germline. Affected: yes.
Comment: This variant is considered likely benign or benign based on one or more of the following criteria: it is a conservative change, it occurs at a poorly conserved position in the protein, it is predicted to be benign by multiple in silico algorithms, and/or has population frequency not consistent with disease.

Dr. Peter K. Rogan Lab, Western University
No classification provided (evidence only). Condition: Sarcoma. Review status: no classification provided. Collection method: in vitro. Allele origin: not applicable. Functional consequence: retained intron. Not counted in ClinVar's aggregate classification.

Dr. Peter K. Rogan Lab, Western University
No classification provided (evidence only). Condition: Sarcoma. Review status: no classification provided. Collection method: in vitro. Allele origin: not applicable. Functional consequence: retained intron. Not counted in ClinVar's aggregate classification.

Dr. Peter K. Rogan Lab, Western University
No classification provided (evidence only). Condition: Sarcoma. Review status: no classification provided. Collection method: in vitro. Allele origin: not applicable. Functional consequence: retained intron. Not counted in ClinVar's aggregate classification.

NM_004006.3(DMD):c.4674+275C>G

Gene: DMD (dystrophin; minus strand). Cytogenetic location: Xp21.1.
Variant type: single nucleotide variant.
Coding change: c.4674+275C>G on transcript NM_004006.3 (MANE Select); 275 bases into the intron after coding-DNA position 4674, C replaced by G.
Molecular consequence: intron variant.
Genome position (GRCh38, 1-based): chrX:32,386,035, G>C on the plus strand (C>G on the coding strand, the complement: DMD is on the minus strand). VCF-style: chrX-32386035-G-C. GRCh37 (hg19) VCF-style: chrX-32404152-G-C.
Other names: NC_000023.10:g.32404152G>C; c.4650+275C>G (NM_000109.4); c.651+275C>G (NM_004011.4); c.642+275C>G (NM_004012.4); c.4662+275C>G (NM_004009.3); c.4305+275C>G (NM_004010.3).
Identifiers: ClinVar variation 680542 (VCV000680542.2), dbSNP rs16990293, ClinGen allele CA327983536.
Genomic context (GRCh38, chrX:32,386,035, plus strand): 5'-CAACTAAGAAACCCTTTTAGAGCTATCTGATGGACCAGGAAAAACCTCCCTGAGCGTTAC[G>C]TATTTTTCAATCTGAATAAGCAGAGCCTCACTGATTAATTATTGTTTCTTAATGAGAATT-3'